The following is an entry in ClinVar:

NM_002972.4(SBF1):c.980T>C (p.Leu327Pro)

Gene: SBF1 (SET binding factor 1; minus strand). Cytogenetic location: 22q13.33.
Variant type: single nucleotide variant.
Coding change: c.980T>C on transcript NM_002972.4 (MANE Select); coding-DNA position 980, T replaced by C.
Protein change: p.Leu327Pro; replaces leucine 327 with proline.
Molecular consequence: missense variant.
Genome position (GRCh38, 1-based): chr22:50,465,992, A>G on the plus strand (T>C on the coding strand, the complement: SBF1 is on the minus strand). VCF-style: chr22-50465992-A-G. GRCh37 (hg19) VCF-style: chr22-50904421-A-G.
Other names: c.983T>C, p.Leu328Pro (NM_001365819.1, NM_001410794.1); c.980T>C, p.Leu327Pro (NM_001410795.1, NM_197971.1); short protein forms L327P, L328P.
Identifiers: ClinVar variation 2097421 (VCV002097421.4), dbSNP rs2522010639, ClinGen allele CA412220635.

ClinVar aggregate classification (germline): Uncertain significance (1 of 4 stars; one submission).

Submission:

Labcorp Genetics (formerly Invitae), Labcorp
Classification: Uncertain significance. Last evaluated: 2022-02-13. Review status: criteria provided, single submitter. Criteria: Invitae Variant Classification Sherloc (09022015). Collection method: clinical testing. Allele origin: germline.
Comment: In summary, the available evidence is currently insufficient to determine the role of this variant in disease. Therefore, it has been classified as a Variant of Uncertain Significance. Algorithms developed to predict the effect of missense changes on protein structure and function are either unavailable or do not agree on the potential impact of this missense change (SIFT: "Deleterious"; PolyPhen-2: "Probably Damaging"; Align-GVGD: "Class C0"). This variant has not been reported in the literature in individuals affected with SBF1-related conditions. This variant is not present in population databases (gnomAD no frequency). This sequence change replaces leucine, which is neutral and non-polar, with proline, which is neutral and non-polar, at codon 327 of the SBF1 protein (p.Leu327Pro).